The following is an entry in ClinVar:

ClinVar aggregate classification (germline): Uncertain significance (1 of 4 stars; one submission).

Conditions:
Hereditary cancer-predisposing syndrome. Also called: Neoplastic Syndromes, Hereditary; Tumor predisposition; Hereditary Cancer Syndrome; Hereditary neoplastic syndrome. Identifiers: Orphanet 140162, MedGen C0027672, MeSH D009386, MONDO:0015356.

gnomAD v4.1: 1 of 1,614,076 alleles (0.000062%); highest among the groups gnomAD compares: Non-Finnish European, 0.000085%; no homozygotes.

Submission:

Ambry Genetics
Classification: Uncertain significance for Hereditary cancer-predisposing syndrome. Last evaluated: 2025-08-14. Review status: criteria provided, single submitter. Criteria: Ambry Variant Classification Scheme 2023. Collection method: clinical testing. Allele origin: germline.
Comment: The p.V616A variant (also known as c.1847T>C), located in coding exon 14 of the BAP1 gene, results from a T to C substitution at nucleotide position 1847. The valine at codon 616 is replaced by alanine, an amino acid with similar properties. This amino acid position is conserved. In addition, this alteration is predicted to be tolerated by in silico analysis. Based on the available evidence, the clinical significance of this variant remains unclear.

NM_004656.4(BAP1):c.1847T>C (p.Val616Ala)

Gene: BAP1 (BRCA1 associated deubiquitinase 1; minus strand). Cytogenetic location: 3p21.1.
Variant type: single nucleotide variant.
Coding change: c.1847T>C on transcript NM_004656.4 (MANE Select); coding-DNA position 1847, T replaced by C.
Protein change: p.Val616Ala; replaces valine 616 with alanine.
Molecular consequence: missense variant.
Genome position (GRCh38, 1-based): chr3:52,403,181, A>G on the plus strand (T>C on the coding strand, the complement: BAP1 is on the minus strand). VCF-style: chr3-52403181-A-G. GRCh37 (hg19) VCF-style: chr3-52437197-A-G.
Other names: c.1793T>C, p.Val598Ala (NM_001410772.1); short protein forms V616A, V598A.
Identifiers: ClinVar variation 4194285 (VCV004194285.1).